The following is an entry in ClinVar:

ClinVar aggregate classification (germline): Likely benign. Review status: criteria provided, multiple submitters, no conflicts (2 of 4 stars). 2 submissions from 2 submitters: Likely benign (2). Last evaluated 2026-07-08.

Conditions:
Rhabdoid tumor predisposition syndrome 2 (RTPS2). Identifiers: Orphanet 231108, Orphanet 69077, MedGen C2750074, MONDO:0013224, OMIM 613325.

Allele frequency attached by ClinVar (database versions not stated): gnomAD 0.00003.
gnomAD v4.1: 7 of 1,557,602 alleles (0.00045%); highest among the groups gnomAD compares: African/African-American, 0.0096%; no homozygotes.

Submissions (2):

Myriad Genetics, Inc.
Classification: Likely benign for Rhabdoid tumor predisposition syndrome 2. Last evaluated: 2026-07-08. Review status: criteria provided, single submitter. Criteria: Myriad Autosomal Dominant, Autosomal Recessive and X-Linked Classification Criteria (2023). Collection method: clinical testing. Allele origin: unknown.
Comment: This variant is considered likely benign. This variant is intronic and is not expected to impact mRNA splicing.

Labcorp Genetics (formerly Invitae), Labcorp
Classification: Likely benign for Rhabdoid tumor predisposition syndrome 2. Last evaluated: 2025-11-25. Review status: criteria provided, single submitter. Criteria: Invitae Variant Classification Sherloc (09022015). Collection method: clinical testing. Allele origin: germline.

NM_003072.5(SMARCA4):c.4636-14G>C

Gene: SMARCA4 (SWI/SNF related BAF chromatin remodeling complex subunit ATPase 4; plus strand). Cytogenetic location: 19p13.2.
Variant type: single nucleotide variant.
Coding change: c.4636-14G>C on transcript NM_003072.5 (MANE Select); 14 bases into the intron before coding-DNA position 4636, G replaced by C.
Molecular consequence: intron variant.
Genome position (GRCh38, 1-based): chr19:11,059,739, G>C. VCF-style: chr19-11059739-G-C. GRCh37 (hg19) VCF-style: chr19-11170415-G-C.
Other names: c.4636-14G>C (NM_001128844.3); c.4732-14G>C (NM_001128849.3, NM_001387283.1); c.4537-14G>C (NM_001128847.4, NM_001374457.1); c.4546-14G>C (NM_001128845.2); c.4543-14G>C (NM_001128846.2); c.4534-14G>C (NM_001128848.2).
Identifiers: ClinVar variation 1586063 (VCV001586063.9), dbSNP rs942701381, ClinGen allele CA305298932.